The following is an entry in ClinVar:

ClinVar aggregate classification (germline): Benign/Likely benign. Review status: criteria provided, multiple submitters, no conflicts (2 of 4 stars). 28 submissions from 27 submitters: Benign (10); Likely benign (8). 10 of the submissions do not count toward it. Last evaluated 2026-02-03.

Conditions:
Hereditary cancer-predisposing syndrome. Also called: Neoplastic Syndromes, Hereditary; Tumor predisposition; Hereditary Cancer Syndrome; Hereditary neoplastic syndrome. Identifiers: Orphanet 140162, MedGen C0027672, MeSH D009386, MONDO:0015356.
BRCA2-related disorder. Also called: BRCA2-related condition; BRCA2-related disorders. Identifiers: MedGen CN239275.
Breast and/or ovarian cancer. Identifiers: MedGen CN221562.
Hereditary breast ovarian cancer syndrome. Also called: Hereditary breast and ovarian cancer; Breast and ovarian cancer; Hereditary breast and/or ovarian cancer syndrome; Hereditary breast and ovarian cancer syndrome (HBOC); Hereditary breast and ovarian cancer syndrome; BRCA1- and BRCA2-Associated Hereditary Breast and Ovarian Cancer. Identifiers: Orphanet 145, MedGen C0677776, MeSH D061325, MONDO:0003582. Disease mechanism: loss of function.
Breast-ovarian cancer, familial, susceptibility to, 2 (BROVCA2). Also called: BRCA2 Hereditary Breast and Ovarian Cancer. Identifiers: Orphanet 145, MedGen C2675520, MONDO:0012933, OMIM 612555. Disease mechanism: loss of function.
Fanconi anemia complementation group D1. Also called: BRCA2-Related Fanconi Anemia. Identifiers: Orphanet 319462, MedGen C1838457, MONDO:0011584, OMIM 605724.
Familial cancer of breast. Also called: BREAST CANCER, FAMILIAL; Hereditary breast cancer; hereditary breast carcinoma. Identifiers: Orphanet 227535, MedGen C0346153, MONDO:0016419, OMIM 114480. Disease mechanism: loss of function.

Allele frequency attached by ClinVar (database versions not stated): gnomAD exomes 0.00008 and 0.00041; gnomAD 0.00011 and 0.00017; TOPMed 0.00019; ExAC 0.00037; 1000 Genomes Project 30x 0.00156; 1000 Genomes Project 0.00160.
gnomAD v4.1: 141 of 1,591,398 alleles (0.0089%); highest among the groups gnomAD compares: East Asian, 0.29%; no homozygotes.

Submissions 1 to 14 of 28:

Labcorp Genetics (formerly Invitae), Labcorp
Classification: Benign for Hereditary breast ovarian cancer syndrome. Last evaluated: 2026-02-03. Review status: criteria provided, single submitter. Criteria: Invitae Variant Classification Sherloc (09022015). Collection method: clinical testing. Allele origin: germline.

Center for Genomic Medicine, Rigshospitalet, Copenhagen University Hospital
Classification: Benign. Last evaluated: 2025-12-29. Review status: criteria provided, single submitter. Criteria: ACMG Guidelines, 2015. Collection method: clinical testing. Allele origin: germline.

Institute for Biomarker Research, Medical Diagnostic Laboratories, L.L.C.
Classification: Benign for Hereditary breast ovarian cancer syndrome. Last evaluated: 2025-10-01. Review status: criteria provided, single submitter. Criteria: ACMG Guidelines, 2015. Collection method: clinical testing. Allele origin: germline.
Comment: The missense variant NM_000059.4(BRCA2):c.943T>A (p.Cys315Ser) has been reported to ClinVar as Benign/Likely benign with a status of (2 stars) criteria provided, multiple submitters, no conflicts (Variation ID 38241 as of 2025-09-04). There is a moderate physicochemical difference between cysteine and serine. The gene BRCA2 has a low rate of benign missense variation as indicated by a high missense variants Z-Score of 1.00. The p.Cys315Ser missense variant is predicted to be tolerated by both SIFT or PolyPhen2. The nucleotide c.943 in BRCA2 is not conserved according to a GERP++ and PhyloP analysis of 100 vertebrates. For these reasons, this variant has been classified as Benign.

Blueprint Genetics
Classification: Likely benign. Last evaluated: 2024-06-06. Review status: criteria provided, single submitter. Criteria: ACMG Guidelines, 2015. Collection method: clinical testing. Allele origin: germline.

All of Us Research Program, National Institutes of Health
Classification: Likely benign for Breast-ovarian cancer, familial, susceptibility to, 2. Last evaluated: 2024-02-05. Review status: criteria provided, single submitter. Criteria: ACMG Guidelines, 2015. Collection method: clinical testing. Allele origin: germline. Inheritance: Autosomal dominant inheritance. Observed: 27 variant alleles, 27 heterozygotes.
Comment: This study involves interpretation of variants in research participants for the purpose of population health screening. Participant phenotype was not available at the time of variant classification. Additional details can be found in publication PMID: 35346344, PMCID: PMC8962531

ARUP Laboratories, Molecular Genetics and Genomics, ARUP Laboratories
Classification: Benign. Last evaluated: 2024-01-09. Review status: criteria provided, single submitter. Criteria: ARUP Molecular Germline Variant Investigation Process 2024. Collection method: clinical testing. Allele origin: germline.

Quest Diagnostics Nichols Institute San Juan Capistrano
Classification: Benign. Last evaluated: 2022-11-04. Review status: criteria provided, single submitter. Criteria: Quest Diagnostics criteria. Collection method: clinical testing. Allele origin: unknown.

Sema4
Classification: Benign for Hereditary cancer-predisposing syndrome. Last evaluated: 2021-12-25. Review status: criteria provided, single submitter. Criteria: Sema4 Curation Guidelines. Collection method: curation. Allele origin: germline.

CHEO Genetics Diagnostic Laboratory, Children's Hospital of Eastern Ontario
Classification: Likely benign for Breast and/or ovarian cancer. Last evaluated: 2021-02-10. Review status: criteria provided, single submitter. Criteria: ACMG Guidelines, 2015. Collection method: clinical testing. Allele origin: germline. Study: Canadian Open Genetics Repository.

Women's Health and Genetics/Laboratory Corporation of America, LabCorp
Classification: Benign. Last evaluated: 2020-09-25. Review status: criteria provided, single submitter. Criteria: LabCorp Variant Classification Summary - May 2015. Collection method: clinical testing. Allele origin: germline.
Comment: Variant summary: BRCA2 c.943T>A (p.Cys315Ser) results in a non-conservative amino acid change in the encoded protein sequence. Four of five in-silico tools predict a benign effect of the variant on protein function. The variant allele was found at a frequency of 0.0005 in 238344 control chromosomes, predominantly at a frequency of 0.0054 within the East Asian subpopulation in the gnomAD database. The observed variant frequency within East Asian control individuals in the gnomAD database is approximately 7 fold of the estimated maximal expected allele frequency for a pathogenic variant in BRCA2 causing Hereditary Breast And Ovarian Cancer Syndrome phenotype (0.00075), strongly suggesting that the variant is a benign polymorphism found primarily in populations of East Asian origin. c.943T>A has been reported in the literature in sequencing studies of individuals affected with Hereditary Breast and Ovarian Cancer, but it was also present in several healthy controls at the same time (e.g. Ahmad 2012, Haiman 2013, Suter 2004). Moreover, recent case-control studies performed on South-East Asian cohorts indicated that the variant of interest was found with similar frequencies in breast cancer patients and healthy controls (Lai 2017, Yoon 2016). These report(s) do not provide unequivocal conclusions about association of the variant with Hereditary Breast And Ovarian Cancer Syndrome. Numerous reported co-occurrences with other pathogenic variant(s) have been reported in the BIC and UMD databases (captured verbatim from the database records, BIC - BRCA2 c.5946_5946delT, p.Ser1982Argfs; BRCA1 c.1687C>T, p.Gln563Ter; BRCA1 c.4035_4035delA, p.Glu1345=fs; BRCA1 c.5263_5264insC, p.Ser1755?fs; BRCA1 c.4148C>G, p.Ser1383Ter; UMD - BRCA1 c.3810C>A, p.Cys1270Ter), providing supporting evidence for a benign role. No experimental evidence demonstrating an impact on protein function was ascertained in the context of this classification. Eleven clinical diagnostic laboratories have submitted clinical-significance assessments for this variant to ClinVar after 2014 without evidence for independent evaluation. All laboratories classified the variant as benign (n=4)/likely benign (n=7). Some submitters cite overlapping evidences utilized in the context of this evaluation. Based on the evidence outlined above, the variant was classified as benign.

Illumina Laboratory Services, Illumina
Classification: Likely benign for Breast-ovarian cancer, familial, susceptibility to, 2. Last evaluated: 2019-09-30. Review status: criteria provided, single submitter. Criteria: ICSL Variant Classification Criteria 13 December 2019. Collection method: clinical testing. Allele origin: germline.
Comment: This variant was observed as part of a predisposition screen in an ostensibly healthy population. A literature search was performed for the gene, cDNA change, and amino acid change (where applicable). Publications were found based on this search. The evidence from the literature, in combination with allele frequency data from public databases where available, was sufficient to determine this variant is unlikely to cause disease. Therefore, this variant is classified as likely benign.

Genetic Services Laboratory, University of Chicago
Classification: Benign. Last evaluated: 2019-05-03. Review status: criteria provided, single submitter. Criteria: ACMG Guidelines, 2015. Collection method: clinical testing. Allele origin: germline. Affected: no.

CeGaT Center for Human Genetics Tuebingen
Classification: Likely benign. Last evaluated: 2018-04-01. Review status: criteria provided, single submitter. Criteria: CeGaT Center For Human Genetics Tuebingen Variant Classification Criteria Version 2. Collection method: clinical testing. Allele origin: germline. Affected: yes. Observed: 1 variant allele.

Illumina Laboratory Services, Illumina
Classification: Likely benign for Fanconi anemia complementation group D1. Last evaluated: 2017-04-27. Review status: criteria provided, single submitter. Criteria: ICSL Variant Classification Criteria 13 December 2019. Collection method: clinical testing. Allele origin: germline.
Comment: This variant was observed as part of a predisposition screen in an ostensibly healthy population. A literature search was performed for the gene, cDNA change, and amino acid change (where applicable). No publications were found based on this search. Allele frequency data from public databases allowed determination this variant is unlikely to cause disease. Therefore, this variant is classified as likely benign.

NM_000059.4(BRCA2):c.943T>A (p.Cys315Ser)

Gene: BRCA2 (BRCA2 DNA repair associated; plus strand). Cytogenetic location: 13q13.1.
Variant type: single nucleotide variant.
Coding change: c.943T>A on transcript NM_000059.4 (MANE Select); coding-DNA position 943, T replaced by A.
Protein change: p.Cys315Ser; replaces cysteine 315 with serine.
Molecular consequence: missense variant.
Genome position (GRCh38, 1-based): chr13:32,332,421, T>A. VCF-style: chr13-32332421-T-A. GRCh37 (hg19) VCF-style: chr13-32906558-T-A.
Other names: p.C315S:TGT>AGT.
Identifiers: ClinVar variation 38241 (VCV000038241.85), dbSNP rs79483201, ClinGen allele CA026159.
Genomic context (GRCh38, chr13:32,332,421, plus strand): 5'-GTATATGAAACAGTTGTAGATACCTCTGAAGAAGATAGTTTTTCATTATGTTTTTCTAAA[T>A]GTAGAACAAAAAATCTACAAAAAGTAAGAACTAGCAAGACTAGGAAAAAAATTTTCCATG-3'
Protein context (NP_000050.3, residues 305-325): EDSFSLCFSK[Cys315Ser]RTKNLQKVRT